The following is an entry in ClinVar:

ClinVar aggregate classification (germline): Uncertain significance (1 of 4 stars; one submission).

Conditions:
Cardiovascular phenotype. Identifiers: MedGen CN230736.

Allele frequency attached by ClinVar (database versions not stated): gnomAD exomes below 0.00001; gnomAD 0.00001; TOPMed 0.00001.
gnomAD v4.1: 2 of 1,613,852 alleles (0.00012%); highest among the groups gnomAD compares: African/African-American, 0.0013%; no homozygotes.

Submission:

Ambry Genetics
Classification: Uncertain significance for Cardiovascular phenotype. Last evaluated: 2022-08-22. Review status: criteria provided, single submitter. Criteria: Ambry Variant Classification Scheme 2023. Collection method: clinical testing. Allele origin: germline.
Comment: The p.R2694S variant (also known as c.8082G>C), located in coding exon 26 of the APOB gene, results from a G to C substitution at nucleotide position 8082. The arginine at codon 2694 is replaced by serine, an amino acid with dissimilar properties. This amino acid position is conserved. In addition, this alteration is predicted to be tolerated by in silico analysis. Since supporting evidence is limited at this time, the clinical significance of this alteration remains unclear.

NM_000384.3(APOB):c.8082G>C (p.Arg2694Ser)

Gene: APOB (apolipoprotein B; minus strand). Cytogenetic location: 2p24.1.
Variant type: single nucleotide variant.
Coding change: c.8082G>C on transcript NM_000384.3 (MANE Select); coding-DNA position 8082, G replaced by C.
Protein change: p.Arg2694Ser; replaces arginine 2694 with serine.
Molecular consequence: missense variant.
Genome position (GRCh38, 1-based): chr2:21,008,786, C>G on the plus strand (G>C on the coding strand, the complement: APOB is on the minus strand). VCF-style: chr2-21008786-C-G. GRCh37 (hg19) VCF-style: chr2-21231658-C-G.
Other names: short protein forms R2694S.
Identifiers: ClinVar variation 1761919 (VCV001761919.2), dbSNP rs1195631728, ClinGen allele CA345995475.
Genomic context (GRCh38, chr2:21,008,786, plus strand): 5'-TGGTAAACGGAAGTCTGGCAGGGTGATTCTCGCTAGAGGAATGTCCTCCACCTTCAGATC[C>G]CTGAGATATATATCTGGAACGGGCCACTGCAGCTCACTGTTCAGCATCTGGTCAATGGTT-3'
Protein context (NP_000375.3, residues 2684-2704): LQWPVPDIYL[Arg2694Ser]DLKVEDIPLA